The following is an entry in ClinVar:

NM_001083614.2(EARS2):c.902G>C (p.Gly301Ala)

Gene: EARS2 (glutamyl-tRNA synthetase 2, mitochondrial; minus strand). Cytogenetic location: 16p12.2.
Variant type: single nucleotide variant.
Coding change: c.902G>C on transcript NM_001083614.2 (MANE Select); coding-DNA position 902, G replaced by C.
Protein change: p.Gly301Ala; replaces glycine 301 with alanine.
Molecular consequence: missense variant. On other transcripts: non-coding transcript variant (1).
Genome position (GRCh38, 1-based): chr16:23,534,944, C>G on the plus strand (G>C on the coding strand, the complement: EARS2 is on the minus strand). VCF-style: chr16-23534944-C-G. GRCh37 (hg19) VCF-style: chr16-23546265-C-G.
Other names: c.902G>C, p.Gly301Ala (NM_001308211.1); short protein forms G301A.
Identifiers: ClinVar variation 4874128 (VCV004874128.2).

ClinVar aggregate classification (germline): Uncertain significance (1 of 4 stars; one submission).

gnomAD v4.1: 4 of 1,607,310 alleles (0.00025%); highest among the groups gnomAD compares: Non-Finnish European, 0.00034%; no homozygotes.

Submission:

CeGaT Center for Human Genetics Tuebingen
Classification: Uncertain significance. Last evaluated: 2026-04-01. Review status: criteria provided, single submitter. Criteria: CeGaT Center For Human Genetics Tuebingen Variant Classification Criteria Version 2. Collection method: clinical testing. Allele origin: germline. Affected: yes. Observed: 1 variant allele.
Comment: EARS2: PM2, PM3, PP4, BP4